The following is an entry in ClinVar:

NM_002069.6(GNAI1):c.503T>A (p.Ile168Asn)

Gene: GNAI1 (G protein subunit alpha i1; plus strand). Cytogenetic location: 7q21.11.
Variant type: single nucleotide variant.
Coding change: c.503T>A on transcript NM_002069.6 (MANE Select); coding-DNA position 503, T replaced by A.
Protein change: p.Ile168Asn; replaces isoleucine 168 with asparagine.
Molecular consequence: missense variant.
Genome position (GRCh38, 1-based): chr7:80,203,745, T>A. VCF-style: chr7-80203745-T-A. GRCh37 (hg19) VCF-style: chr7-79833061-T-A.
Other names: c.347T>A, p.Ile116Asn (NM_001256414.2); short protein forms I116N, I168N.
Identifiers: ClinVar variation 4885042 (VCV004885042.2).

ClinVar aggregate classification (germline): Uncertain significance (1 of 4 stars; one submission).

Submission:

Dasa
Classification: Uncertain significance. Last evaluated: 2026-01-19. Review status: criteria provided, single submitter. Criteria: DASA Assertion Criteria. Collection method: clinical testing. Allele origin: germline.
Comment: NM_002069.6(GNAI1):c.503T>A (p.Ile168Asn) is a missense variant that results in the substitution of isoleucine with asparagine. This variant is rare in population databases. Computational prediction algorithms are consistent with a deleterious effect. The currently available literature and clinical evidence are not sufficient to establish a definitive association between this variant and the reported condition. Therefore, this variant is classified as a variant of uncertain significance.